The following is an entry in ClinVar:

NM_001710.6(CFB):c.2213C>T (p.Ala738Val)

Gene: CFB (complement factor B; plus strand). Cytogenetic location: 6p21.33.
Variant type: single nucleotide variant.
Coding change: c.2213C>T on transcript NM_001710.6 (MANE Select); coding-DNA position 2213, C replaced by T.
Protein change: p.Ala738Val; replaces alanine 738 with valine.
Molecular consequence: missense variant.
Genome position (GRCh38, 1-based): chr6:31,951,948, C>T. VCF-style: chr6-31951948-C-T. GRCh37 (hg19) VCF-style: chr6-31919725-C-T.
Other names: short protein forms A738V.
Identifiers: ClinVar variation 4743274 (VCV004743274.1).
Genomic context (GRCh38, chr6:31,951,948, plus strand): 5'-GCTGGGGAGTAGTGGATGTCTGCAAAAACCAGAAGCGGCAAAAGCAGGTACCTGCTCACG[C>T]CCGAGACTTTCACATCAACCTCTTTCAAGTGCTGCCCTGGCTGAAGGAGAAACTCCAAGA-3'
Protein context (NP_001701.2, residues 728-748): QKRQKQVPAH[Ala738Val]RDFHINLFQV

ClinVar aggregate classification (germline): Uncertain significance (1 of 4 stars; one submission).

Submission:

Labcorp Genetics (formerly Invitae), Labcorp
Classification: Uncertain significance. Last evaluated: 2025-10-03. Review status: criteria provided, single submitter. Criteria: Invitae Variant Classification Sherloc (09022015). Collection method: clinical testing. Allele origin: germline.
Comment: This sequence change replaces alanine, which is neutral and non-polar, with valine, which is neutral and non-polar, at codon 738 of the CFB protein (p.Ala738Val). This variant is not present in population databases (gnomAD no frequency). This variant has not been reported in the literature in individuals affected with CFB-related conditions. Invitae Evidence Modeling of protein sequence and biophysical properties (such as structural, functional, and spatial information, amino acid conservation, physicochemical variation, residue mobility, and thermodynamic stability) indicates that this missense variant is expected to disrupt CFB protein function with a positive predictive value of 80%. In summary, the available evidence is currently insufficient to determine the role of this variant in disease. Therefore, it has been classified as a Variant of Uncertain Significance.